The following is an entry in ClinVar:

ClinVar aggregate classification (germline): Pathogenic (1 of 4 stars; one submission).

Conditions:
Intellectual developmental disorder, autosomal recessive 27. Also called: Mental retardation, autosomal recessive 27; Intellectual disability, autosomal recessive 27. Identifiers: Orphanet 88616, MedGen C3280538, MONDO:0013702, OMIM 614340.

Submission:

Women's Health and Genetics/Laboratory Corporation of America, LabCorp
Classification: Pathogenic for Intellectual developmental disorder, autosomal recessive 27. Last evaluated: 2025-11-06. Review status: criteria provided, single submitter. Criteria: LabCorp Variant Classification Summary - May 2015. Collection method: clinical testing. Allele origin: germline.
Comment: Variant summary: LINS1 c.1460delA (p.Asn487MetfsX13) results in a premature termination codon in the last exon, predicted to cause a truncation of the encoded protein without resulting in nonsense mediated decay. The variant was absent in 210856 control chromosomes. To our knowledge, no occurrence of c.1460delA in individuals affected with LINS1-related conditions and no experimental evidence demonstrating its impact on protein function have been reported. A downstream variant (c.1672_1679del, p.Gly558Profs*22) has been determined to be Pathogenic by our laboratory, suggesting that loss of this region of the protein is deleterious (PMID: 32802957). No submitters have cited clinical-significance assessments for this variant to ClinVar. Based on the evidence outlined above, the variant was classified as pathogenic.

NM_001040616.3(LINS1):c.1460del (p.Asn487fs)

Gene: LINS1 (lines homolog 1; minus strand). Cytogenetic location: 15q26.3.
Variant type: Deletion.
Coding change: c.1460del on transcript NM_001040616.3 (MANE Select); coding-DNA position 1460, one base deleted (A; older notation c.1460delA).
Protein change: p.Asn487fs; shifts the reading frame from asparagine 487.
Molecular consequence: frameshift variant. On other transcripts: non-coding transcript variant (3).
Genome position (GRCh38, 1-based): chr15:100,570,052, T deleted on the plus strand (A on the coding strand, the reverse complement: LINS1 is on the minus strand); the first of 4 consecutive T bases (chr15:100,570,052-100,570,055); deleting any one gives the same sequence. VCF-style (leftmost placement, unchanged base first): chr15-100570051-AT-A. GRCh37 (hg19) VCF-style: chr15-101110256-AT-A.
Other names: c.713del, p.Asn238fs (NM_001352507.2); c.1307del, p.Asn436fs (NM_001352508.2); c.1460delA (NM_001040616.3); short protein forms N238fs, N436fs, N487fs.
Identifiers: ClinVar variation 4537023 (VCV004537023.1).